The following is an entry in ClinVar:

NM_000038.6(APC):c.1285C>T (p.Pro429Ser)

Gene: APC (APC regulator of Wnt signaling pathway; plus strand). Cytogenetic location: 5q22.2.
Variant type: single nucleotide variant.
Coding change: c.1285C>T on transcript NM_000038.6 (MANE Select); coding-DNA position 1285, C replaced by T.
Protein change: p.Pro429Ser; replaces proline 429 with serine.
Molecular consequence: missense variant.
Genome position (GRCh38, 1-based): chr5:112,819,317, C>T. VCF-style: chr5-112819317-C-T. GRCh37 (hg19) VCF-style: chr5-112155014-C-T.
Other names: c.1285C>T, p.Pro429Ser (NM_001127510.3, NM_001354895.2, NM_001354896.2); c.1231C>T, p.Pro411Ser (NM_001127511.3); c.1315C>T, p.Pro439Ser (NM_001354897.2); c.1210C>T, p.Pro404Ser (NM_001354898.2); c.1201C>T, p.Pro401Ser (NM_001354899.2); c.1108C>T, p.Pro370Ser (NM_001354900.2, NM_001354901.2); c.1012C>T, p.Pro338Ser (NM_001354902.2); c.982C>T, p.Pro328Ser (NM_001354903.2); and 3 more; short protein forms P404S, P439S, P146S, P411S, P269S, P328S, P401S, P429S.
Identifiers: ClinVar variation 818801 (VCV000818801.5), dbSNP rs1580531566, ClinGen allele CA16024121.
Genomic context (GRCh38, chr5:112,819,317, plus strand): 5'-CTTTTGGAACAGATACGCGCTTACTGTGAAACCTGTTGGGAGTGGCAGGAAGCTCATGAA[C>T]CAGGCATGGACCAGGACAAAAATCCAAGTATGTTCTCTATAGTGTACATCGTAGTGCATG-3'
Protein context (NP_000029.2, residues 419-439): TCWEWQEAHE[Pro429Ser]GMDQDKNPMP

ClinVar aggregate classification (germline): Uncertain significance (1 of 4 stars; one submission).

Conditions:
Hereditary cancer-predisposing syndrome. Also called: Tumor predisposition; Hereditary neoplastic syndrome; Neoplastic Syndromes, Hereditary; Hereditary Cancer Syndrome. Identifiers: Orphanet 140162, MedGen C0027672, MeSH D009386, MONDO:0015356.

Submission:

Ambry Genetics
Classification: Uncertain significance for Hereditary cancer-predisposing syndrome. Last evaluated: 2025-02-07. Review status: criteria provided, single submitter. Criteria: Ambry Variant Classification Scheme 2023. Collection method: clinical testing. Allele origin: germline.
Comment: The p.P429S variant (also known as c.1285C>T), located in coding exon 9 of the APC gene, results from a C to T substitution at nucleotide position 1285. The proline at codon 429 is replaced by serine, an amino acid with similar properties. This amino acid position is poorly conserved in available vertebrate species. In addition, in silico predictors for this gene do not accurately predict pathogenicity. Missense alterations in APC are not a common cause of disease (Spier I et al. Genet Med. 2024 Feb;26(2):100992). Based on the available evidence, the clinical significance of this variant remains unclear.